The following is an entry in ClinVar:

ClinVar aggregate classification (germline): Pathogenic (1 of 4 stars; one submission).

Conditions:
Hereditary cancer-predisposing syndrome. Also called: Tumor predisposition; Neoplastic Syndromes, Hereditary; Hereditary neoplastic syndrome; Hereditary Cancer Syndrome. Identifiers: Orphanet 140162, MedGen C0027672, MeSH D009386, MONDO:0015356.

Submission:

Ambry Genetics
Classification: Pathogenic for Hereditary cancer-predisposing syndrome. Last evaluated: 2024-10-31. Review status: criteria provided, single submitter. Criteria: Ambry Variant Classification Scheme 2023. Collection method: clinical testing. Allele origin: germline.
Comment: The c.601delC pathogenic mutation, located in coding exon 7 of the SMARCE1 gene, results from a deletion of one nucleotide at nucleotide position 601, causing a translational frameshift with a predicted alternate stop codon (p.R201Afs*34). This variant is considered to be rare based on population cohorts in the Genome Aggregation Database (gnomAD). Loss-of-function variants in SMARCE1 are known to cause increased risk of meningiomas; however, such associations with neurodevelopmental disorders are exceedingly rare (Kosho T et al. Am J Med Genet C Semin Med Genet. 2014 Sep;166C(3):262-75; Smith JM et al. Nat Genet. 2013 Mar;45(3):295-8). This alteration is expected to result in loss of function by premature protein truncation or nonsense-mediated mRNA decay. Based on the supporting evidence, this alteration is pathogenic for an increased risk of meningiomas; however, the association of this alteration with an increased risk of Coffin-Siris syndrome is unlikely.

NM_003079.5(SMARCE1):c.601del (p.Arg201fs)

Gene: SMARCE1 (SWI/SNF related BAF chromatin remodeling complex subunit E1; minus strand). Cytogenetic location: 17q21.2.
Variant type: Deletion.
Coding change: c.601del on transcript NM_003079.5 (MANE Select); coding-DNA position 601, one base deleted (C; older notation c.601delC).
Protein change: p.Arg201fs; shifts the reading frame from arginine 201.
Molecular consequence: frameshift variant.
Genome position (GRCh38, 1-based): chr17:40,632,308, G deleted on the plus strand (C on the coding strand, the reverse complement: SMARCE1 is on the minus strand); the first of 2 consecutive G bases (chr17:40,632,308-40,632,309); deleting either gives the same sequence. VCF-style (leftmost placement, unchanged base first): chr17-40632307-CG-C. GRCh37 (hg19) VCF-style: chr17-38788559-CG-C.
Other names: c.601delC (NM_003079.4); short protein forms R201fs.
Identifiers: ClinVar variation 3446153 (VCV003446153.1).